The following is an entry in ClinVar:

ClinVar aggregate classification (germline): Uncertain significance (1 of 4 stars; one submission).

Submission:

Labcorp Genetics (formerly Invitae), Labcorp
Classification: Uncertain significance. Last evaluated: 2024-07-25. Review status: criteria provided, single submitter. Criteria: Invitae Variant Classification Sherloc (09022015). Collection method: clinical testing. Allele origin: germline.
Comment: This sequence change replaces leucine, which is neutral and non-polar, with phenylalanine, which is neutral and non-polar, at codon 263 of the LBR protein (p.Leu263Phe). This variant is present in population databases (rs761645957, gnomAD 0.01%). This variant has not been reported in the literature in individuals affected with LBR-related conditions. Advanced modeling of protein sequence and biophysical properties (such as structural, functional, and spatial information, amino acid conservation, physicochemical variation, residue mobility, and thermodynamic stability) performed at Invitae indicates that this missense variant is not expected to disrupt LBR protein function with a negative predictive value of 80%. In summary, the available evidence is currently insufficient to determine the role of this variant in disease. Therefore, it has been classified as a Variant of Uncertain Significance.

NM_002296.4(LBR):c.787C>T (p.Leu263Phe)

Gene: LBR (lamin B receptor; minus strand). Cytogenetic location: 1q42.12.
Variant type: single nucleotide variant.
Coding change: c.787C>T on transcript NM_002296.4 (MANE Select); coding-DNA position 787, C replaced by T.
Protein change: p.Leu263Phe; replaces leucine 263 with phenylalanine.
Molecular consequence: missense variant.
Genome position (GRCh38, 1-based): chr1:225,418,034, G>A on the plus strand (C>T on the coding strand, the complement: LBR is on the minus strand). VCF-style: chr1-225418034-G-A. GRCh37 (hg19) VCF-style: chr1-225605736-G-A.
Other names: c.787C>T, p.Leu263Phe (NM_194442.3); short protein forms L263F.
Identifiers: ClinVar variation 3611102 (VCV003611102.2).
Genomic context (GRCh38, chr1:225,418,034, plus strand): 5'-ATAAACGTACCTTTCCAATTGGCAGTAGGTAGAACAGGACTTGAATCAAAAACCACAGGA[G>A]GTAGACCCCAAATACTCTGGTTTCCCATAACTCATACAAAGCTGGCAAAGGAGGAGGGAA-3'
Protein context (NP_002287.2, residues 253-273): LWETRVFGVY[Leu263Phe]LWFLIQVLFY